The following is an entry in ClinVar:

ClinVar aggregate classification (germline): Uncertain significance (1 of 4 stars; one submission).

Allele frequency attached by ClinVar (database versions not stated): gnomAD exomes below 0.00001; ExAC 0.00001; TOPMed 0.00001.
gnomAD v4.1: 1 of 1,613,070 alleles (0.000062%); no homozygotes.

Submission:

Labcorp Genetics (formerly Invitae), Labcorp
Classification: Uncertain significance. Last evaluated: 2022-07-03. Review status: criteria provided, single submitter. Criteria: Invitae Variant Classification Sherloc (09022015). Collection method: clinical testing. Allele origin: germline.
Comment: This sequence change replaces serine, which is neutral and polar, with leucine, which is neutral and non-polar, at codon 288 of the PAX1 protein (p.Ser288Leu). In summary, the available evidence is currently insufficient to determine the role of this variant in disease. Therefore, it has been classified as a Variant of Uncertain Significance. Algorithms developed to predict the effect of missense changes on protein structure and function are either unavailable or do not agree on the potential impact of this missense change (SIFT: "Deleterious"; PolyPhen-2: "Probably Damaging"; Align-GVGD: "Class C15"). This variant has not been reported in the literature in individuals affected with PAX1-related conditions. This variant is present in population databases (rs767792155, gnomAD 0.004%).

NM_001257096.2(PAX1):c.863C>T (p.Ser288Leu)

Gene: PAX1 (paired box 1; plus strand). Cytogenetic location: 20p11.22.
Variant type: single nucleotide variant.
Coding change: c.863C>T on transcript NM_001257096.2 (MANE Select); coding-DNA position 863, C replaced by T.
Protein change: p.Ser288Leu; replaces serine 288 with leucine.
Molecular consequence: missense variant.
Genome position (GRCh38, 1-based): chr20:21,707,014, C>T. VCF-style: chr20-21707014-C-T. GRCh37 (hg19) VCF-style: chr20-21687652-C-T.
Other names: c.863C>T, p.Ser288Leu (NM_006192.5); short protein forms S288L.
Identifiers: ClinVar variation 2133571 (VCV002133571.3), dbSNP rs767792155, ClinGen allele CA9786581.
Genomic context (GRCh38, chr20:21,707,014, plus strand): 5'-GCAGCCACCCCGGGGTCCCGGGCACGGCGGGCCACGTCAGCATCCCGCGCTCATGGCCCT[C>T]GGCACACTCGGTCAGCAACATCCTGGGCATCCGGACGTTTATGGAGCAAACAGGTCAGTT-3'
Protein context (NP_001244025.1, residues 278-298): GHVSIPRSWP[Ser288Leu]AHSVSNILGI